The following is an entry in ClinVar:

NM_004260.4(RECQL4):c.73C>T (p.Arg25Ter)

Genes: RECQL4 (RecQ like helicase 4; minus strand), LOC130001411 (ATAC-STARR-seq lymphoblastoid silent region 19699; plus strand). Cytogenetic location: 8q24.3.
Variant type: single nucleotide variant.
Coding change: c.73C>T on transcript NM_004260.4 (MANE Select); coding-DNA position 73, C replaced by T.
Protein change: p.Arg25Ter; replaces arginine 25 with a stop codon.
Molecular consequence: nonsense. On other transcripts: non-coding transcript variant (3), 5 prime UTR variant (17).
Genome position (GRCh38, 1-based): chr8:144,517,712, G>A on the plus strand (C>T on the coding strand, the complement: RECQL4 is on the minus strand). VCF-style: chr8-144517712-G-A. GRCh37 (hg19) VCF-style: chr8-145743096-G-A.
Other names: c.73C>T, p.Arg25Ter (NM_001413017.1, NM_001413018.1, NM_001413019.1 and 6 more transcripts); c.-713C>T (NM_001413021.1); c.-1064C>T (NM_001413022.1, NM_001413023.1, NM_001413037.1 and 2 more transcripts); c.-961C>T (NM_001413024.1); c.-1061C>T (NM_001413027.1); c.-789C>T (NM_001413028.1); c.-1126C>T (NM_001413030.1, NM_001413031.1, NM_001413041.1); c.-958C>T (NM_001413032.1); and 4 more; short protein forms R25*.
Identifiers: ClinVar variation 2744875 (VCV002744875.3), dbSNP rs2130745290, ClinGen allele CA372693666.

ClinVar aggregate classification (germline): Pathogenic (1 of 4 stars; one submission).

Conditions:
Baller-Gerold syndrome (BGS). Also called: CRANIOSYNOSTOSIS WITH RADIAL DEFECTS. Identifiers: Orphanet 1225, MedGen C0265308, MONDO:0009039, OMIM 218600.

Allele frequency attached by ClinVar (database versions not stated): gnomAD exomes below 0.00001.
gnomAD v4.1: 1 of 1,363,034 alleles (0.000073%); highest among the groups gnomAD compares: Non-Finnish European, 0.000095%; no homozygotes.

Submission:

Labcorp Genetics (formerly Invitae), Labcorp
Classification: Pathogenic for Baller-Gerold syndrome. Last evaluated: 2023-07-19. Review status: criteria provided, single submitter. Criteria: Invitae Variant Classification Sherloc (09022015). Collection method: clinical testing. Allele origin: germline.
Comment: This sequence change creates a premature translational stop signal (p.Arg25*) in the RECQL4 gene. It is expected to result in an absent or disrupted protein product. Loss-of-function variants in RECQL4 are known to be pathogenic (PMID: 12734318, 12952869). This variant is not present in population databases (gnomAD no frequency). This variant has not been reported in the literature in individuals affected with RECQL4-related conditions. For these reasons, this variant has been classified as Pathogenic.

Literature cited by the submitters: PubMed 12734318; PubMed 12952869.